The following is an entry in ClinVar:

ClinVar aggregate classification (germline): Likely pathogenic. Review status: criteria provided, multiple submitters, no conflicts (2 of 4 stars). 3 submissions from 3 submitters: Likely pathogenic (2). 1 of the submissions does not count toward it. Last evaluated 2024-09-23.

Conditions:
Polycystic kidney disease 4 (PKD4). Also called: POLYCYSTIC KIDNEY DISEASE 4 WITH OR WITHOUT POLYCYSTIC LIVER DISEASE; POLYCYSTIC KIDNEY AND HEPATIC DISEASE 1; POLYCYSTIC KIDNEY DISEASE, INFANTILE, TYPE I; PKD3; Autosomal Recessive Polycystic Kidney Disease – PKHD1. Identifiers: MedGen C4540575, MONDO:0033004, OMIM 263200.
Autosomal recessive polycystic kidney disease (ARPKD). Also called: AR polycystic kidney disease. Identifiers: Orphanet 731, Orphanet 8378, MedGen C0085548, MeSH D017044, MONDO:0009889.

Submissions (3):

Natera, Inc.
Classification: Likely pathogenic for Autosomal recessive polycystic kidney disease. Last evaluated: 2024-09-23. Review status: criteria provided, single submitter. Criteria: Natera Variant Classification Schema (03/2026). Collection method: clinical testing. Allele origin: germline.
Comment: The c.11147_11150delCTCA variant in PKHD1 is a frameshift variant predicted to shift the reading frame beginning at codon 3716 and leads to a stop codon 19 codons downstream. This variant is expected to result in nonsense mediated decay, truncation, or a dysfunctional protein product. This variant is rare in the general population with a frequency below the threshold expected for the associated phenotype(s). Given the available evidence, this variant is classified as Likely Pathogenic.

Fulgent Genetics
Classification: Likely pathogenic for Polycystic kidney disease 4. Last evaluated: 2024-01-15. Review status: criteria provided, single submitter. Criteria: ACMG Guidelines, 2015. Collection method: clinical testing. Allele origin: germline.

Counsyl
Classification: Likely pathogenic for Polycystic kidney disease 4. Last evaluated: 2018-01-30. Review status: no assertion criteria provided. Collection method: clinical testing. Allele origin: unknown. Not counted in ClinVar's aggregate classification.

NM_138694.4(PKHD1):c.11147_11150del (p.Thr3716fs)

Gene: PKHD1 (PKHD1 ciliary IPT domain containing fibrocystin/polyductin; minus strand). Cytogenetic location: 6p12.3.
Variant type: Deletion.
Coding change: c.11147_11150del on transcript NM_138694.4 (MANE Select); coding-DNA positions 11147 to 11150, 4 bases deleted (CTCA; older notation c.11147_11150delCTCA).
Protein change: p.Thr3716fs; shifts the reading frame from threonine 3716.
Molecular consequence: frameshift variant.
Genome position (GRCh38, 1-based): chr6:51,658,976-51,658,979, TGAG deleted on the plus strand (CTCA on the coding strand, the reverse complement: PKHD1 is on the minus strand); deleting any 4 consecutive bases within chr6:51,658,976-51,658,980 gives the same sequence; the c. name uses the placement nearest the transcript's 3' end. VCF-style (leftmost placement, unchanged base first): chr6-51658975-CTGAG-C. GRCh37 (hg19) VCF-style: chr6-51523773-CTGAG-C.
Other names: short protein forms T3716fs.
Identifiers: ClinVar variation 556400 (VCV000556400.4), dbSNP rs1554183012, ClinGen allele CA658821695.
Genomic context (GRCh38, chr6:51,658,975, plus strand): 5'-CAGCCCTCATTTGGATGTGAATATAATTAGTACTTACCCATAGCCAATGACTCCCTTTGA[CTGAG>C]TAACTAGTAAGGCCCCGATAGTCATATTCAGAACATTCTCTAGTACCCCAGTCTGTTGAG-3'